The following is an entry in ClinVar:

NM_001349253.2(SCN11A):c.4216G>T (p.Val1406Leu)

Gene: SCN11A (sodium voltage-gated channel alpha subunit 11; minus strand). Cytogenetic location: 3p22.2.
Variant type: single nucleotide variant.
Coding change: c.4216G>T on transcript NM_001349253.2 (MANE Select); coding-DNA position 4216, G replaced by T.
Protein change: p.Val1406Leu; replaces valine 1406 with leucine.
Molecular consequence: missense variant.
Genome position (GRCh38, 1-based): chr3:38,850,592, C>A on the plus strand (G>T on the coding strand, the complement: SCN11A is on the minus strand). VCF-style: chr3-38850592-C-A. GRCh37 (hg19) VCF-style: chr3-38892083-C-A.
Other names: c.4216G>T, p.Val1406Leu (NM_014139.3); short protein forms V1406L.
Identifiers: ClinVar variation 1915685 (VCV001915685.5), dbSNP rs2064760204, ClinGen allele CA352165468.
Genomic context (GRCh38, chr3:38,850,592, plus strand): 5'-TGAAGTAGTATTGCCTCAAAGCAAAGATTTTGATGAGACATTCTAACGTAAAGATGACCA[C>A]AAAGACCCAGTTGAGATGGTCAAGGATGGATTTCATGGCTTTGGGTTGGTTGTATGATTC-3'
Protein context (NP_001336182.1, residues 1396-1416): SILDHLNWVF[Val1406Leu]VIFTLECLIK

ClinVar aggregate classification (germline): Uncertain significance (1 of 4 stars; one submission).

Conditions:
Hereditary sensory and autonomic neuropathy type 7. Also called: HSAN VII; Neuropathy, hereditary sensory and autonomic, type VII. Identifiers: Orphanet 391397, MedGen C3809882, MONDO:0014244, OMIM 615548.
Familial episodic pain syndrome with predominantly lower limb involvement. Also called: Episodic pain syndrome, familial, 3. Identifiers: Orphanet 391384, Orphanet 391392, MedGen C3809899, MONDO:0014247, OMIM 615552.

gnomAD v4.1: 5 of 1,613,904 alleles (0.00031%); highest among the groups gnomAD compares: Non-Finnish European, 0.00042%; no homozygotes.

Submission:

Labcorp Genetics (formerly Invitae), Labcorp
Classification: Uncertain significance for Familial episodic pain syndrome with predominantly lower limb involvement; Hereditary sensory and autonomic neuropathy type 7. Last evaluated: 2026-01-24. Review status: criteria provided, single submitter. Criteria: Invitae Variant Classification Sherloc (09022015). Collection method: clinical testing. Allele origin: germline.
Comment: This sequence change replaces valine, which is neutral and non-polar, with leucine, which is neutral and non-polar, at codon 1406 of the SCN11A protein (p.Val1406Leu). This variant is not present in population databases (gnomAD no frequency). This variant has not been reported in the literature in individuals affected with SCN11A-related conditions. ClinVar contains an entry for this variant (Variation ID: 1915685). Invitae Evidence Modeling of protein sequence and biophysical properties (such as structural, functional, and spatial information, amino acid conservation, physicochemical variation, residue mobility, and thermodynamic stability) indicates that this missense variant is expected to disrupt SCN11A protein function with a positive predictive value of 80%. In summary, the available evidence is currently insufficient to determine the role of this variant in disease. Therefore, it has been classified as a Variant of Uncertain Significance.